The following is an entry in ClinVar:

NM_006939.4(SOS2):c.2013C>A (p.Asp671Glu)

Gene: SOS2 (SOS Ras/Rho guanine nucleotide exchange factor 2; minus strand). Cytogenetic location: 14q21.3.
Variant type: single nucleotide variant.
Coding change: c.2013C>A on transcript NM_006939.4 (MANE Select); coding-DNA position 2013, C replaced by A.
Protein change: p.Asp671Glu; replaces aspartic acid 671 with glutamic acid.
Molecular consequence: missense variant.
Genome position (GRCh38, 1-based): chr14:50,157,043, G>T on the plus strand (C>A on the coding strand, the complement: SOS2 is on the minus strand). VCF-style: chr14-50157043-G-T. GRCh37 (hg19) VCF-style: chr14-50623761-G-T.
Other names: c.1914C>A, p.Asp638Glu (NM_001411020.1); short protein forms D638E, D671E.
Identifiers: ClinVar variation 4801987 (VCV004801987.1).

ClinVar aggregate classification (germline): Uncertain significance (1 of 4 stars; one submission).

Conditions:
Noonan syndrome 9 (NS9). Identifiers: Orphanet 648, MedGen C4225282, MONDO:0014691, OMIM 616559.

Submission:

Labcorp Genetics (formerly Invitae), Labcorp
Classification: Uncertain significance for Noonan syndrome 9. Last evaluated: 2025-05-02. Review status: criteria provided, single submitter. Criteria: Invitae Variant Classification Sherloc (09022015). Collection method: clinical testing. Allele origin: germline.
Comment: This sequence change replaces aspartic acid, which is acidic and polar, with glutamic acid, which is acidic and polar, at codon 671 of the SOS2 protein (p.Asp671Glu). This variant is not present in population databases (gnomAD no frequency). This variant has not been reported in the literature in individuals affected with SOS2-related conditions. Invitae Evidence Modeling of protein sequence and biophysical properties (such as structural, functional, and spatial information, amino acid conservation, physicochemical variation, residue mobility, and thermodynamic stability) indicates that this missense variant is not expected to disrupt SOS2 protein function with a negative predictive value of 95%. In summary, the available evidence is currently insufficient to determine the role of this variant in disease. Therefore, it has been classified as a Variant of Uncertain Significance.